The following is an entry in ClinVar:

NM_173500.4(TTBK2):c.2606A>G (p.Gln869Arg)

Gene: TTBK2 (tau tubulin kinase 2; minus strand). Cytogenetic location: 15q15.2.
Variant type: single nucleotide variant.
Coding change: c.2606A>G on transcript NM_173500.4 (MANE Select); coding-DNA position 2606, A replaced by G.
Protein change: p.Gln869Arg; replaces glutamine 869 with arginine.
Molecular consequence: missense variant.
Genome position (GRCh38, 1-based): chr15:42,752,640, T>C on the plus strand (A>G on the coding strand, the complement: TTBK2 is on the minus strand). VCF-style: chr15-42752640-T-C. GRCh37 (hg19) VCF-style: chr15-43044838-T-C.
Other names: short protein forms Q869R.
Identifiers: ClinVar variation 3252591 (VCV003252591.1), dbSNP rs2506198116.

ClinVar aggregate classification (germline): Uncertain significance (1 of 4 stars; one submission).

Submission:

GeneDx
Classification: Uncertain significance. Last evaluated: 2023-12-18. Review status: criteria provided, single submitter. Criteria: GeneDx Variant Classification Process June 2021. Collection method: clinical testing. Allele origin: germline. Affected: yes.
Comment: Not observed at significant frequency in large population cohorts (gnomAD); In silico analysis supports that this missense variant does not alter protein structure/function; Has not been previously published as pathogenic or benign to our knowledge